The following is an entry in ClinVar:

NM_000059.4(BRCA2):c.7408_7409del (p.Phe2470fs)

Gene: BRCA2 (BRCA2 DNA repair associated; plus strand). Cytogenetic location: 13q13.1.
Variant type: Deletion.
Coding change: c.7408_7409del on transcript NM_000059.4 (MANE Select); coding-DNA positions 7408 to 7409, 2 bases deleted (TT; older notation c.7408_7409delTT).
Protein change: p.Phe2470fs; shifts the reading frame from phenylalanine 2470.
Molecular consequence: frameshift variant.
Genome position (GRCh38, 1-based): chr13:32,355,261-32,355,262, TT deleted; deleting any 2 consecutive bases within chr13:32,355,260-32,355,262 gives the same sequence; the c. name uses the placement nearest the transcript's 3' end. VCF-style (leftmost placement, unchanged base first): chr13-32355259-CTT-C. GRCh37 (hg19) VCF-style: chr13-32929396-CTT-C.
Other names: 7636delTT; c.7408_7409delTT (NM_000059.3).
Identifiers: ClinVar variation 52319 (VCV000052319.7), dbSNP rs397507915, ClinGen allele CA025058.

ClinVar aggregate classification (germline): Pathogenic. Review status: reviewed by expert panel (3 of 4 stars). 2 submissions from 2 submitters: Pathogenic (1). 1 of the submissions does not count toward it. Last evaluated 2016-10-18.

Conditions:
Breast-ovarian cancer, familial, susceptibility to, 2 (BROVCA2). Also called: BRCA2 Hereditary Breast and Ovarian Cancer. Identifiers: Orphanet 145, MedGen C2675520, MONDO:0012933, OMIM 612555. Disease mechanism: loss of function.

Submissions (2):

Evidence-based Network for the Interpretation of Germline Mutant Alleles (ENIGMA)
Classification: Pathogenic for Breast-ovarian cancer, familial, susceptibility to, 2. Last evaluated: 2016-10-18. Review status: reviewed by expert panel. Criteria: ENIGMA BRCA1/2 Classification Criteria (2015). Collection method: curation. Allele origin: germline.
Comment: Variant allele predicted to encode a truncated non-functional protein.

Consortium of Investigators of Modifiers of BRCA1/2 (CIMBA), c/o University of Cambridge
Classification: Pathogenic for Breast-ovarian cancer, familial, susceptibility to, 2. Last evaluated: 2015-10-02. Review status: criteria provided, single submitter. Criteria: CIMBA Mutation Classification guidelines May 2016. Collection method: clinical testing. Allele origin: germline. Not counted in ClinVar's aggregate classification.